The following is an entry in ClinVar:

ClinVar aggregate classification (germline): Uncertain significance (1 of 4 stars; one submission).

Submission:

Labcorp Genetics (formerly Invitae), Labcorp
Classification: Uncertain significance. Last evaluated: 2022-10-17. Review status: criteria provided, single submitter. Criteria: Invitae Variant Classification Sherloc (09022015). Collection method: clinical testing. Allele origin: germline.
Comment: Algorithms developed to predict the effect of sequence changes on RNA splicing suggest that this variant may disrupt the consensus splice site. This sequence change replaces aspartic acid, which is acidic and polar, with glycine, which is neutral and non-polar, at codon 987 of the DNA2 protein (p.Asp987Gly). This variant is not present in population databases (gnomAD no frequency). This variant has not been reported in the literature in individuals affected with DNA2-related conditions. Advanced modeling of protein sequence and biophysical properties (such as structural, functional, and spatial information, amino acid conservation, physicochemical variation, residue mobility, and thermodynamic stability) has been performed at Invitae for this missense variant, however the output from this modeling did not meet the statistical confidence thresholds required to predict the impact of this variant on DNA2 protein function. In summary, the available evidence is currently insufficient to determine the role of this variant in disease. Therefore, it has been classified as a Variant of Uncertain Significance.

NM_001080449.3(DNA2):c.2960A>G (p.Asp987Gly)

Gene: DNA2 (DNA replication helicase/nuclease 2; minus strand). Cytogenetic location: 10q21.3.
Variant type: single nucleotide variant.
Coding change: c.2960A>G on transcript NM_001080449.3 (MANE Select); coding-DNA position 2960, A replaced by G.
Protein change: p.Asp987Gly; replaces aspartic acid 987 with glycine.
Molecular consequence: missense variant. On other transcripts: non-coding transcript variant (1).
Genome position (GRCh38, 1-based): chr10:68,419,041, T>C on the plus strand (A>G on the coding strand, the complement: DNA2 is on the minus strand). VCF-style: chr10-68419041-T-C. GRCh37 (hg19) VCF-style: chr10-70178798-T-C.
Other names: short protein forms D987G.
Identifiers: ClinVar variation 1721752 (VCV001721752.5), dbSNP rs2493894738, ClinGen allele CA376840859.